The following is an entry in ClinVar:

NM_020713.3(ZNF512B):c.1779G>T (p.Arg593=)

Gene: ZNF512B (zinc finger protein 512B; minus strand). Cytogenetic location: 20q13.33.
Variant type: single nucleotide variant.
Coding change: c.1779G>T on transcript NM_020713.3 (MANE Select); coding-DNA position 1779, G replaced by T.
Protein change: p.Arg593=; no amino-acid change (arginine 593 retained).
Molecular consequence: synonymous variant.
Genome position (GRCh38, 1-based): chr20:63,963,360, C>A on the plus strand (G>T on the coding strand, the complement: ZNF512B is on the minus strand). VCF-style: chr20-63963360-C-A. GRCh37 (hg19) VCF-style: chr20-62594713-C-A.
Identifiers: ClinVar variation 3037319 (VCV003037319.2), dbSNP rs147461845, ClinGen allele CA9970990.

ClinVar aggregate classification (germline): Benign (0 of 4 stars; one submission).

Conditions:
ZNF512B-related disorder. Also called: ZNF512B-related condition.

Allele frequency attached by ClinVar (database versions not stated): gnomAD exomes 0.00117; ExAC 0.00684; ESP Exome Variant Server 0.01224; gnomAD 0.01246; 1000 Genomes Project 0.01338; TOPMed 0.01445; 1000 Genomes Project 30x 0.01499.

Submission:

PreventionGenetics, part of Exact Sciences
Classification: Benign for ZNF512B-related condition. Last evaluated: 2019-02-18. Review status: no assertion criteria provided. Collection method: clinical testing. Allele origin: germline.
Comment: This variant is classified as benign based on ACMG/AMP sequence variant interpretation guidelines (Richards et al. 2015 PMID: 25741868, with internal and published modifications).